The following is an entry in ClinVar:

ClinVar aggregate classification (germline): Uncertain significance (1 of 4 stars; one submission).

Submission:

Labcorp Genetics (formerly Invitae), Labcorp
Classification: Uncertain significance. Last evaluated: 2025-04-23. Review status: criteria provided, single submitter. Criteria: Invitae Variant Classification Sherloc (09022015). Collection method: clinical testing. Allele origin: germline.
Comment: This variant, c.642_647dup, results in the insertion of 2 amino acid(s) of the HOXB13 protein (p.Gly216_Arg217dup), but otherwise preserves the integrity of the reading frame. This variant is not present in population databases (gnomAD no frequency). This variant has not been reported in the literature in individuals affected with HOXB13-related conditions. In summary, the available evidence is currently insufficient to determine the role of this variant in disease. Therefore, it has been classified as a Variant of Uncertain Significance.

NM_006361.6(HOXB13):c.642_647dup (p.Arg217_Lys218insGlyArg)

Gene: HOXB13 (homeobox B13; minus strand). Cytogenetic location: 17q21.32.
Variant type: Duplication.
Coding change: c.642_647dup on transcript NM_006361.6 (MANE Select); coding-DNA positions 642 to 647, 6 bases duplicated (TCGCGG; older notation c.642_647dupTCGCGG).
Protein change: p.Arg217_Lys218insGlyArg.
Molecular consequence: inframe insertion.
Genome position (GRCh38, 1-based): chr17:48,726,998-48,727,003, CCGCGA duplicated on the plus strand (TCGCGG on the coding strand, the reverse complement: HOXB13 is on the minus strand); duplicating any 6 consecutive bases within chr17:48,726,998-48,727,004 gives the same sequence; the c. name uses the placement nearest the transcript's 3' end. VCF-style (leftmost placement, unchanged base first): chr17-48726997-G-GCCGCGA. GRCh37 (hg19) VCF-style: chr17-46804359-G-GCCGCGA.
Identifiers: ClinVar variation 4718179 (VCV004718179.1).
Genomic context (GRCh38, chr17:48,726,997, plus strand): 5'-CGCATACTCCCGCTCCAGCTCCCGCAACTGCCCCTTGCTGTACGGAATGCGTTTCTTGCG[G>GCCGCGA]CCGCGACGAAAGGCGCAGGCGTCAGGAGGGTGCTGCCCGCTGGAGTCTGCGCGGCGTGAA-3'